The following is an entry in ClinVar:

NM_004836.7(EIF2AK3):c.2710T>C (p.Cys904Arg)

Genes: EIF2AK3-AS1 (EIF2AK3 antisense RNA 1; plus strand), EIF2AK3 (eukaryotic translation initiation factor 2 alpha kinase 3; minus strand). Cytogenetic location: 2p11.2.
Variant type: single nucleotide variant.
Coding change: c.2710T>C on transcript NM_004836.7 (MANE Select); coding-DNA position 2710, T replaced by C.
Protein change: p.Cys904Arg; replaces cysteine 904 with arginine.
Molecular consequence: missense variant. On other transcripts: non-coding transcript variant (1).
Genome position (GRCh38, 1-based): chr2:88,574,773, A>G on the plus strand (T>C on the coding strand, the complement: EIF2AK3 is on the minus strand). VCF-style: chr2-88574773-A-G. GRCh37 (hg19) VCF-style: chr2-88874291-A-G.
Other names: c.2257T>C, p.Cys753Arg (NM_001313915.2); short protein forms C904R, C753R.
Identifiers: ClinVar variation 1400140 (VCV001400140.6), dbSNP rs752726105, ClinGen allele CA1754420.

ClinVar aggregate classification (germline): Uncertain significance. Review status: criteria provided, multiple submitters, no conflicts (2 of 4 stars). 2 submissions from 2 submitters: Uncertain significance (2). Last evaluated 2021-11-23.

Conditions:
Wolcott-Rallison dysplasia. Also called: MED-IDDM SYNDROME; Wolcott-Rallison syndrome. Identifiers: Orphanet 1667, MedGen C0432217, MONDO:0009192, OMIM 226980.

Allele frequency attached by ClinVar (database versions not stated): gnomAD exomes 0.00001; ExAC 0.00002.
gnomAD v4.1: 60 of 1,614,068 alleles (0.0037%); highest among the groups gnomAD compares: Non-Finnish European, 0.0047%; no homozygotes.

Submissions (2):

Fulgent Genetics
Classification: Uncertain significance for Wolcott-Rallison dysplasia. Last evaluated: 2021-11-23. Review status: criteria provided, single submitter. Criteria: ACMG Guidelines, 2015. Collection method: clinical testing. Allele origin: unknown.

Labcorp Genetics (formerly Invitae), Labcorp
Classification: Uncertain significance. Last evaluated: 2021-09-17. Review status: criteria provided, single submitter. Criteria: Invitae Variant Classification Sherloc (09022015). Collection method: clinical testing. Allele origin: germline.
Comment: This sequence change replaces cysteine with arginine at codon 904 of the EIF2AK3 protein (p.Cys904Arg). The cysteine residue is moderately conserved and there is a large physicochemical difference between cysteine and arginine. This variant is present in population databases (rs752726105, ExAC 0.01%). This variant has not been reported in the literature in individuals with EIF2AK3-related conditions. Algorithms developed to predict the effect of missense changes on protein structure and function (SIFT, PolyPhen-2, Align-GVGD) all suggest that this variant is likely to be tolerated, but these predictions have not been confirmed by published functional studies and their clinical significance is uncertain. In summary, the available evidence is currently insufficient to determine the role of this variant in disease. Therefore, it has been classified as a Variant of Uncertain Significance.